The following is an entry in ClinVar:

ClinVar aggregate classification (germline): Likely benign. Review status: criteria provided, multiple submitters, no conflicts (2 of 4 stars). 2 submissions from 2 submitters: Likely benign (2). Last evaluated 2018-06-14.

Allele frequency attached by ClinVar (database versions not stated): gnomAD exomes 0.00143; gnomAD 0.00994 and 0.01058; TOPMed 0.01102; 1000 Genomes Project 30x 0.01171; 1000 Genomes Project 0.01218.
gnomAD v4.1: 2,181 of 597,838 alleles (0.36%); highest among the groups gnomAD compares: African/African-American, 3.3%; 34 homozygotes.

Submissions (2):

GeneDx
Classification: Likely benign. Last evaluated: 2018-06-14. Review status: criteria provided, single submitter. Criteria: GeneDx Variant Classification (06012015). Collection method: clinical testing. Allele origin: germline. Affected: yes.
Comment: This variant is considered likely benign or benign based on one or more of the following criteria: it is a conservative change, it occurs at a poorly conserved position in the protein, it is predicted to be benign by multiple in silico algorithms, and/or has population frequency not consistent with disease.

Breakthrough Genomics
Classification: Likely benign. Review status: criteria provided, single submitter. Criteria: ACMG Guidelines, 2015. Collection method: not provided. Allele origin: germline. Inheritance: Autosomal dominant inheritance. Affected: yes.

NM_017617.5(NOTCH1):c.140+257A>T

Gene: NOTCH1 (notch receptor 1; minus strand). Cytogenetic location: 9q34.3.
Variant type: single nucleotide variant.
Coding change: c.140+257A>T on transcript NM_017617.5 (MANE Select); 257 bases into the intron after coding-DNA position 140, A replaced by T.
Molecular consequence: intron variant.
Genome position (GRCh38, 1-based): chr9:136,543,767, T>A on the plus strand (A>T on the coding strand, the complement: NOTCH1 is on the minus strand). VCF-style: chr9-136543767-T-A. GRCh37 (hg19) VCF-style: chr9-139438219-T-A.
Identifiers: ClinVar variation 680989 (VCV000680989.2), dbSNP rs77714896, ClinGen allele CA201607340.